The following is an entry in ClinVar:

ClinVar aggregate classification (germline): Uncertain significance. Review status: criteria provided, multiple submitters, no conflicts (2 of 4 stars). 2 submissions from 2 submitters: Uncertain significance (2). Last evaluated 2024-06-26.

Conditions:
Hereditary cancer-predisposing syndrome. Also called: Neoplastic Syndromes, Hereditary; Tumor predisposition; Hereditary Cancer Syndrome; Hereditary neoplastic syndrome. Identifiers: Orphanet 140162, MedGen C0027672, MeSH D009386, MONDO:0015356.
POLD1-related polyposis and colorectal cancer syndrome (CRCS10). Also called: Colorectal cancer 10; COLORECTAL CANCER, SUSCEPTIBILITY TO, ON CHROMOSOME 19q; Colorectal cancer, susceptibility to, 10. Identifiers: Orphanet 220460, MedGen C2675481, MONDO:0012953, OMIM 612591.

Submissions (2):

Ambry Genetics
Classification: Uncertain significance for Hereditary cancer-predisposing syndrome. Last evaluated: 2024-06-26. Review status: criteria provided, single submitter. Criteria: Ambry Variant Classification Scheme 2023. Collection method: clinical testing. Allele origin: germline.
Comment: The p.R126P variant (also known as c.377G>C), located in coding exon 3 of the POLD1 gene, results from a G to C substitution at nucleotide position 377. The arginine at codon 126 is replaced by proline, an amino acid with dissimilar properties. This amino acid position is conserved. In addition, this alteration is predicted to be deleterious by in silico analysis. Based on the available evidence, the clinical significance of this variant remains unclear.

Labcorp Genetics (formerly Invitae), Labcorp
Classification: Uncertain significance for POLD1-related polyposis and colorectal cancer syndrome. Last evaluated: 2024-02-17. Review status: criteria provided, single submitter. Criteria: Invitae Variant Classification Sherloc (09022015). Collection method: clinical testing. Allele origin: germline.
Comment: This sequence change replaces arginine, which is basic and polar, with proline, which is neutral and non-polar, at codon 126 of the POLD1 protein (p.Arg126Pro). This variant is not present in population databases (gnomAD no frequency). This variant has not been reported in the literature in individuals affected with POLD1-related conditions. Advanced modeling of protein sequence and biophysical properties (such as structural, functional, and spatial information, amino acid conservation, physicochemical variation, residue mobility, and thermodynamic stability) performed at Invitae indicates that this missense variant is expected to disrupt POLD1 protein function with a positive predictive value of 80%. In summary, the available evidence is currently insufficient to determine the role of this variant in disease. Therefore, it has been classified as a Variant of Uncertain Significance.

NM_002691.4(POLD1):c.377G>C (p.Arg126Pro)

Gene: POLD1 (DNA polymerase delta 1, catalytic subunit; plus strand). Cytogenetic location: 19q13.33.
Variant type: single nucleotide variant.
Coding change: c.377G>C on transcript NM_002691.4 (MANE Select); coding-DNA position 377, G replaced by C.
Protein change: p.Arg126Pro; replaces arginine 126 with proline.
Molecular consequence: missense variant. On other transcripts: non-coding transcript variant (1).
Genome position (GRCh38, 1-based): chr19:50,401,838, G>C. VCF-style: chr19-50401838-G-C. GRCh37 (hg19) VCF-style: chr19-50905095-G-C.
Other names: c.377G>C, p.Arg126Pro (NM_001256849.1, NM_001308632.1); short protein forms R126P.
Identifiers: ClinVar variation 3421939 (VCV003421939.3).